The following is an entry in ClinVar:

NM_004360.5(CDH1):c.910A>G (p.Ile304Val)

Gene: CDH1 (cadherin 1; plus strand). Cytogenetic location: 16q22.1.
Variant type: single nucleotide variant.
Coding change: c.910A>G on transcript NM_004360.5 (MANE Select); coding-DNA position 910, A replaced by G.
Protein change: p.Ile304Val; replaces isoleucine 304 with valine.
Molecular consequence: missense variant. On other transcripts: 5 prime UTR variant (2).
Genome position (GRCh38, 1-based): chr16:68,811,761, A>G. VCF-style: chr16-68811761-A-G. GRCh37 (hg19) VCF-style: chr16-68845664-A-G.
Other names: c.910A>G (LRG_301t1); c.910A>G, p.Ile304Val (NM_001317184.2); c.-706A>G (NM_001317185.2); c.-910A>G (NM_001317186.2); short protein forms I304V.
Identifiers: ClinVar variation 645759 (VCV000645759.9), dbSNP rs1597894113, ClinGen allele CA396459696.

ClinVar aggregate classification (germline): Uncertain significance (1 of 4 stars; one submission).

Conditions:
Hereditary diffuse gastric adenocarcinoma (HDGC). Also called: DIFFUSE GASTRIC AND LOBULAR BREAST CANCER SYNDROME. Identifiers: Orphanet 26106, MedGen C1708349, MONDO:0007648, OMIM 137215.

Allele frequency attached by ClinVar (database versions not stated): gnomAD exomes below 0.00001.
gnomAD v4.1: 1 of 1,614,070 alleles (0.000062%); highest among the groups gnomAD compares: South Asian, 0.0011%; no homozygotes.

Submission:

Labcorp Genetics (formerly Invitae), Labcorp
Classification: Uncertain significance for Hereditary diffuse gastric adenocarcinoma. Last evaluated: 2024-06-23. Review status: criteria provided, single submitter. Criteria: Invitae Variant Classification Sherloc (09022015). Collection method: clinical testing. Allele origin: germline.
Comment: This sequence change replaces isoleucine, which is neutral and non-polar, with valine, which is neutral and non-polar, at codon 304 of the CDH1 protein (p.Ile304Val). This variant is not present in population databases (gnomAD no frequency). This variant has not been reported in the literature in individuals affected with CDH1-related conditions. ClinVar contains an entry for this variant (Variation ID: 645759). An algorithm developed to predict the effect of missense changes on protein structure and function (PolyPhen-2) suggests that this variant is likely to be disruptive. In summary, the available evidence is currently insufficient to determine the role of this variant in disease. Therefore, it has been classified as a Variant of Uncertain Significance.